The following is an entry in ClinVar:

ClinVar aggregate classification (germline): Uncertain significance. Review status: criteria provided, multiple submitters, no conflicts (2 of 4 stars). 2 submissions from 2 submitters: Uncertain significance (2). Last evaluated 2024-12-02.

Conditions:
Developmental and epileptic encephalopathy, 12 (DEE12). Identifiers: MedGen C3150988, MONDO:0013389, OMIM 613722.

Allele frequency attached by ClinVar (database versions not stated): gnomAD exomes below 0.00001; ExAC 0.00001.

Submissions (2):

Labcorp Genetics (formerly Invitae), Labcorp
Classification: Uncertain significance for Developmental and epileptic encephalopathy, 12. Last evaluated: 2024-12-02. Review status: criteria provided, single submitter. Criteria: Invitae Variant Classification Sherloc (09022015). Collection method: clinical testing. Allele origin: germline.
Comment: This sequence change replaces aspartic acid, which is acidic and polar, with asparagine, which is neutral and polar, at codon 468 of the PNKP protein (p.Asp468Asn). This variant is present in population databases (rs778647353, gnomAD 0.0009%). This variant has not been reported in the literature in individuals affected with PNKP-related conditions. ClinVar contains an entry for this variant (Variation ID: 450340). Invitae Evidence Modeling of protein sequence and biophysical properties (such as structural, functional, and spatial information, amino acid conservation, physicochemical variation, residue mobility, and thermodynamic stability) indicates that this missense variant is not expected to disrupt PNKP protein function with a negative predictive value of 80%. In summary, the available evidence is currently insufficient to determine the role of this variant in disease. Therefore, it has been classified as a Variant of Uncertain Significance.

GeneDx
Classification: Uncertain significance. Last evaluated: 2017-07-10. Review status: criteria provided, single submitter. Criteria: GeneDx Variant Classification (06012015). Collection method: clinical testing. Allele origin: germline. Affected: yes.
Comment: A variant of uncertain significance has been identified in the PNKP gene. The D468N variant has not been published as a pathogenic variant, nor has it been reported as a benign variant to our knowledge. The D468N variant is not observed at a significant frequency in large population cohorts (Lek et al., 2016; 1000 Genomes Consortium et al., 2015; Exome Variant Server). The D468N variant is a semi-conservative amino acid substitution, which may impact secondary protein structure as these residues differ in some properties. However, this substitution occurs at a position that is not conserved. In silico analysis is inconsistent in its predictions as to whether or not the variant is damaging to the protein structure/function. Therefore, based on the currently available information, it is unclear whether this variant is a pathogenic variant or a rare benign variant.

NM_007254.4(PNKP):c.1402G>A (p.Asp468Asn)

Gene: PNKP (polynucleotide kinase 3'-phosphatase; minus strand). Cytogenetic location: 19q13.33.
Variant type: single nucleotide variant.
Coding change: c.1402G>A on transcript NM_007254.4 (MANE Select); coding-DNA position 1402, G replaced by A.
Protein change: p.Asp468Asn; replaces aspartic acid 468 with asparagine.
Molecular consequence: missense variant.
Genome position (GRCh38, 1-based): chr19:49,861,495, C>T on the plus strand (G>A on the coding strand, the complement: PNKP is on the minus strand). VCF-style: chr19-49861495-C-T. GRCh37 (hg19) VCF-style: chr19-50364752-C-T.
Other names: short protein forms D468N.
Identifiers: ClinVar variation 450340 (VCV000450340.8), dbSNP rs778647353, ClinGen allele CA9586386.
Genomic context (GRCh38, chr19:49,861,495, plus strand): 5'-ATCCCCAACAGTACCTGTAGCCATACATGACCATGTCTGACACGGGGATATGAGAGGAGT[C>T]CGTCATCTCTCGAAACTGTGGGGAACATCAGAGGGGCGGCAGGCCCAGGGGTCAGGGGAG-3'
Protein context (NP_009185.2, residues 458-478): RHNNRFREMT[Asp468Asn]SSHIPVSDMV